The following is an entry in ClinVar:

ClinVar aggregate classification (germline): Uncertain significance (1 of 4 stars; one submission).

Conditions:
Hereditary cancer-predisposing syndrome. Also called: Neoplastic Syndromes, Hereditary; Tumor predisposition; Hereditary neoplastic syndrome; Hereditary Cancer Syndrome. Identifiers: Orphanet 140162, MedGen C0027672, MeSH D009386, MONDO:0015356.
Cardiovascular phenotype. Identifiers: MedGen CN230736.

Allele frequency attached by ClinVar (database versions not stated): gnomAD exomes below 0.00001.
gnomAD v4.1: 1 of 1,613,714 alleles (0.000062%); highest among the groups gnomAD compares: Non-Finnish European, 0.000085%; no homozygotes.

Submission:

Ambry Genetics
Classification: Uncertain significance for Cardiovascular phenotype; Hereditary cancer-predisposing syndrome. Last evaluated: 2023-02-03. Review status: criteria provided, single submitter. Criteria: Ambry Variant Classification Scheme 2023. Collection method: clinical testing. Allele origin: germline.
Comment: The p.M760V variant (also known as c.2278A>G), located in coding exon 19 of the NF1 gene, results from an A to G substitution at nucleotide position 2278. The methionine at codon 760 is replaced by valine, an amino acid with highly similar properties. This amino acid position is conserved. In addition, the in silico prediction for this alteration is inconclusive. Since supporting evidence is limited at this time, the clinical significance of this alteration remains unclear.

NM_001042492.3(NF1):c.2278A>G (p.Met760Val)

Gene: NF1 (neurofibromin 1; plus strand). Cytogenetic location: 17q11.2.
Variant type: single nucleotide variant.
Coding change: c.2278A>G on transcript NM_001042492.3 (MANE Select); coding-DNA position 2278, A replaced by G.
Protein change: p.Met760Val; replaces methionine 760 with valine.
Molecular consequence: missense variant.
Genome position (GRCh38, 1-based): chr17:31,227,244, A>G. VCF-style: chr17-31227244-A-G. GRCh37 (hg19) VCF-style: chr17-29554262-A-G.
Other names: c.2278A>G, p.Met760Val (NM_000267.4); short protein forms M760V.
Identifiers: ClinVar variation 2452301 (VCV002452301.2), dbSNP rs1191883088, ClinGen allele CA398982762.